The following is an entry in ClinVar:

NM_000523.4(HOXD13):c.500A>G (p.Tyr167Cys)

Gene: HOXD13 (homeobox D13; plus strand). Cytogenetic location: 2q31.1.
Variant type: single nucleotide variant.
Coding change: c.500A>G on transcript NM_000523.4 (MANE Select); coding-DNA position 500, A replaced by G.
Protein change: p.Tyr167Cys; replaces tyrosine 167 with cysteine.
Molecular consequence: missense variant.
Genome position (GRCh38, 1-based): chr2:176,093,390, A>G. VCF-style: chr2-176093390-A-G. GRCh37 (hg19) VCF-style: chr2-176958118-A-G.
Other names: short protein forms Y167C.
Identifiers: ClinVar variation 218457 (VCV000218457.35), dbSNP rs200067774, ClinGen allele CA249106.

ClinVar aggregate classification (germline): Conflicting classifications of pathogenicity. Review status: criteria provided, conflicting classifications (1 of 4 stars). 5 submissions from 5 submitters: Uncertain significance (1); Benign (2); Likely benign (1). 1 of the submissions does not count toward it. Last evaluated 2025-09-03.

Conditions:
HOXD13-related disorder. Also called: HOXD13-related disorders; HOXD13-related condition.

Allele frequency attached by ClinVar (database versions not stated): gnomAD 0.00004 and 0.00020; TOPMed 0.00011; gnomAD exomes 0.00042 and 0.00055; 1000 Genomes Project 30x 0.00062; ExAC 0.00064; 1000 Genomes Project 0.00080.

Submissions (5):

Labcorp Genetics (formerly Invitae), Labcorp
Classification: Benign. Last evaluated: 2025-09-03. Review status: criteria provided, single submitter. Criteria: Invitae Variant Classification Sherloc (09022015). Collection method: clinical testing. Allele origin: germline.

CeGaT Center for Human Genetics Tuebingen
Classification: Likely benign. Last evaluated: 2023-02-01. Review status: criteria provided, single submitter. Criteria: CeGaT Center For Human Genetics Tuebingen Variant Classification Criteria Version 2. Collection method: clinical testing. Allele origin: germline. Affected: yes. Observed: 1 variant allele.
Comment: HOXD13: BS2

GeneDx
Classification: Uncertain significance. Last evaluated: 2021-11-30. Review status: criteria provided, single submitter. Criteria: GeneDx Variant Classification Process June 2021. Collection method: clinical testing. Allele origin: germline. Affected: yes.
Comment: In silico analysis supports that this missense variant has a deleterious effect on protein structure/function; This variant is associated with the following publications: (PMID: 34321610)

Genomic Diagnostic Laboratory, Division of Genomic Diagnostics, Children's Hospital of Philadelphia
Classification: Benign. Last evaluated: 2015-07-01. Review status: criteria provided, single submitter. Criteria: DGD Variant Analysis Guidelines. Collection method: clinical testing. Allele origin: unknown.

PreventionGenetics, part of Exact Sciences
Classification: Likely benign for HOXD13-related condition. Last evaluated: 2019-08-12. Review status: no assertion criteria provided. Collection method: clinical testing. Allele origin: germline. Not counted in ClinVar's aggregate classification.
Comment: This variant is classified as likely benign based on ACMG/AMP sequence variant interpretation guidelines (Richards et al. 2015 PMID: 25741868, with internal and published modifications).